The following is an entry in ClinVar:

ClinVar aggregate classification (germline): Uncertain significance (1 of 4 stars; one submission).

Submission:

Dasa
Classification: Uncertain significance. Last evaluated: 2025-06-11. Review status: criteria provided, single submitter. Criteria: DASA Assertion Criteria. Collection method: clinical testing. Allele origin: germline.
Comment: NM_018116.4(MSTO1):c.283A>G (p.Ile95Val) is a missense variant that results in the substitution of isoleucine with valine. This variant is rare in population databases. Computational prediction algorithms are consistent with a benign effect. The currently available literature and clinical evidence are not sufficient to establish a definitive association between this variant and the reported condition. Therefore, this variant is classified as a variant of uncertain significance.

NM_018116.4(MSTO1):c.283A>G (p.Ile95Val)

Gene: MSTO1 (misato mitochondrial distribution and morphology regulator 1; plus strand). Cytogenetic location: 1q22.
Variant type: single nucleotide variant.
Coding change: c.283A>G on transcript NM_018116.4 (MANE Select); coding-DNA position 283, A replaced by G.
Protein change: p.Ile95Val; replaces isoleucine 95 with valine.
Molecular consequence: missense variant. On other transcripts: 5 prime UTR variant (14), non-coding transcript variant (6).
Genome position (GRCh38, 1-based): chr1:155,611,101, A>G. VCF-style: chr1-155611101-A-G. GRCh37 (hg19) VCF-style: chr1-155580892-A-G.
Other names: c.283A>G, p.Ile95Val (NM_001256532.1, NM_001256533.1, NM_001350772.1 and 3 more transcripts); c.-5A>G (NM_001350776.1); c.-274A>G (NM_001350777.1, NM_001350779.1); c.-338A>G (NM_001350778.1); c.-390A>G (NM_001350780.1, NM_001350781.1); c.-316A>G (NM_001350782.1, NM_001350783.1, NM_001350786.1 and 1 more transcripts); c.-323A>G (NM_001350784.1, NM_001350787.1); c.-387A>G (NM_001350785.1, NM_001350789.1); short protein forms I95V.
Identifiers: ClinVar variation 5020940 (VCV005020940.1).